The following is an entry in ClinVar:

NM_000041.4(APOE):c.461G>T (p.Arg154Leu)

Gene: APOE (apolipoprotein E; plus strand). Cytogenetic location: 19q13.32.
Variant type: single nucleotide variant.
Coding change: c.461G>T on transcript NM_000041.4 (MANE Select); coding-DNA position 461, G replaced by T.
Protein change: p.Arg154Leu; replaces arginine 154 with leucine.
Molecular consequence: missense variant.
Genome position (GRCh38, 1-based): chr19:44,908,757, G>T. VCF-style: chr19-44908757-G-T. GRCh37 (hg19) VCF-style: chr19-45412014-G-T.
Other names: c.539G>T, p.Arg180Leu (NM_001302688.2); c.461G>T, p.Arg154Leu (NM_001302689.2, NM_001302690.2, NM_001302691.2); short protein forms R154L, R180L.
Identifiers: ClinVar variation 375636 (VCV000375636.2), dbSNP rs200703101, ClinGen allele CA16044403.

ClinVar aggregate classification (germline): Likely pathogenic (1 of 4 stars; one submission).

Conditions:
Abnormal circulating lipid concentration. Also called: Dyslipidemia; Abnormality of lipid metabolism. Identifiers: MedGen C4025650, HP:0003119.

Submission:

Center of Genomic medicine, Geneva, University Hospital of Geneva
Classification: Likely pathogenic for Dyslipidemia. Last evaluated: 2015-12-21. Review status: criteria provided, single submitter. Criteria: ACMG Guidelines, 2015. Collection method: clinical testing. Allele origin: germline. Affected: yes.